The following is an entry in ClinVar:

NM_006514.4(SCN10A):c.5030A>T (p.Tyr1677Phe)

Gene: SCN10A (sodium voltage-gated channel alpha subunit 10; minus strand). Cytogenetic location: 3p22.2.
Variant type: single nucleotide variant.
Coding change: c.5030A>T on transcript NM_006514.4 (MANE Select); coding-DNA position 5030, A replaced by T.
Protein change: p.Tyr1677Phe; replaces tyrosine 1677 with phenylalanine.
Molecular consequence: missense variant.
Genome position (GRCh38, 1-based): chr3:38,698,190, T>A on the plus strand (A>T on the coding strand, the complement: SCN10A is on the minus strand). VCF-style: chr3-38698190-T-A. GRCh37 (hg19) VCF-style: chr3-38739681-T-A.
Other names: c.5027A>T, p.Tyr1676Phe (NM_001293306.2); c.4736A>T, p.Tyr1579Phe (NM_001293307.2); short protein forms Y1676F, Y1677F, Y1579F.
Identifiers: ClinVar variation 1744898 (VCV001744898.2), dbSNP rs927476036, ClinGen allele CA352154835.

ClinVar aggregate classification (germline): Uncertain significance (1 of 4 stars; one submission).

Conditions:
Cardiovascular phenotype. Identifiers: MedGen CN230736.

Submission:

Ambry Genetics
Classification: Uncertain significance for Cardiovascular phenotype. Last evaluated: 2020-08-07. Review status: criteria provided, single submitter. Criteria: Ambry Variant Classification Scheme 2023. Collection method: clinical testing. Allele origin: germline.
Comment: The p.Y1677F variant (also known as c.5030A>T), located in coding exon 27 of the SCN10A gene, results from an A to T substitution at nucleotide position 5030. The tyrosine at codon 1677 is replaced by phenylalanine, an amino acid with highly similar properties. This amino acid position is not well conserved in available vertebrate species, and phenylalanine is the reference amino acid in other vertebrate species. In addition, the in silico prediction for this alteration is inconclusive. Since supporting evidence is limited at this time, the clinical significance of this alteration remains unclear.